The following is an entry in ClinVar:

NR_003051.4(RMRP):n.102A>G

Gene: RMRP (RNA component of mitochondrial RNA processing endoribonuclease; minus strand). Cytogenetic location: 9p13.3.
Variant type: single nucleotide variant.
Genome position: GRCh38 VCF-style: chr9-35657918-T-C. GRCh37 (hg19) VCF-style: chr9-35657915-T-C.
Identifiers: ClinVar variation 970725 (VCV000970725.7), dbSNP rs983337094, ClinGen allele CA192745637.

ClinVar aggregate classification (germline): Uncertain significance. Review status: criteria provided, single submitter (1 of 4 stars). 2 submissions from 2 submitters: Uncertain significance (1). 1 of the submissions does not count toward it. Last evaluated 2022-09-01.

Conditions:
Metaphyseal chondrodysplasia, McKusick type (CHH). Also called: Cartilage-hair hypoplasia; Cartilage-Hair Hypoplasia (CHH). Identifiers: Orphanet 175, MedGen C0220748, MONDO:0009595, OMIM 250250.
Anauxetic dysplasia. Identifiers: Orphanet 93347, MedGen C1846796, MONDO:0011773.

Allele frequency attached by ClinVar (database versions not stated): gnomAD 0.00001; gnomAD exomes 0.00001 and 0.00004; TOPMed 0.00002.
gnomAD v4.1: 8 of 700,122 alleles (0.0011%); highest among the groups gnomAD compares: Admixed American, 0.014%; no homozygotes.

Submissions (2):

Labcorp Genetics (formerly Invitae), Labcorp
Classification: Uncertain significance for Anauxetic dysplasia. Last evaluated: 2022-09-01. Review status: criteria provided, single submitter. Criteria: Invitae Variant Classification Sherloc (09022015). Collection method: clinical testing. Allele origin: germline.
Comment: This variant occurs in the RMRP gene, which encodes an RNA molecule that does not result in a protein product. This variant is present in population databases (no rsID available, gnomAD 0.02%). This variant has not been reported in the literature in individuals affected with RMRP-related conditions. ClinVar contains an entry for this variant (Variation ID: 970725). Experimental studies and prediction algorithms are not available or were not evaluated, and the functional significance of this variant is currently unknown. In summary, the available evidence is currently insufficient to determine the role of this variant in disease. Therefore, it has been classified as a Variant of Uncertain Significance.

Natera, Inc.
Classification: Uncertain significance for Cartilage-hair hypoplasia. Last evaluated: 2021-02-23. Review status: no assertion criteria provided. Collection method: clinical testing. Allele origin: germline. Not counted in ClinVar's aggregate classification.